The following is an entry in ClinVar:

ClinVar aggregate classification (germline): Uncertain significance (1 of 4 stars; one submission).

Submission:

Labcorp Genetics (formerly Invitae), Labcorp
Classification: Uncertain significance. Last evaluated: 2022-10-24. Review status: criteria provided, single submitter. Criteria: Invitae Variant Classification Sherloc (09022015). Collection method: clinical testing. Allele origin: germline.
Comment: This sequence change falls in intron 13 of the C5 gene. It does not directly change the encoded amino acid sequence of the C5 protein. It affects a nucleotide within the consensus splice site. This variant is not present in population databases (gnomAD no frequency). This variant has not been reported in the literature in individuals affected with C5-related conditions. ClinVar contains an entry for this variant (Variation ID: 1475510). Variants that disrupt the consensus splice site are a relatively common cause of aberrant splicing (PMID: 17576681, 9536098). Algorithms developed to predict the effect of sequence changes on RNA splicing suggest that this variant is not likely to affect RNA splicing. In summary, the available evidence is currently insufficient to determine the role of this variant in disease. Therefore, it has been classified as a Variant of Uncertain Significance.

Literature cited by the submitters: PubMed 17576681; PubMed 9536098.

NM_001735.3(C5):c.1716+3A>G

Gene: C5 (complement C5; minus strand). Cytogenetic location: 9q33.2.
Variant type: single nucleotide variant.
Coding change: c.1716+3A>G on transcript NM_001735.3 (MANE Select); 3 bases into the intron after coding-DNA position 1716, A replaced by G.
Molecular consequence: intron variant.
Genome position (GRCh38, 1-based): chr9:121,017,640, T>C on the plus strand (A>G on the coding strand, the complement: C5 is on the minus strand). VCF-style: chr9-121017640-T-C. GRCh37 (hg19) VCF-style: chr9-123779918-T-C.
Other names: c.1734+3A>G (NM_001317163.2); c.1716+3A>G (NM_001317164.2).
Identifiers: ClinVar variation 1475510 (VCV001475510.6), dbSNP rs2131761860, ClinGen allele CA2573143943.